The following is an entry in ClinVar:

NM_006922.4(SCN3A):c.5220C>T (p.Asp1740=)

Gene: SCN3A (sodium voltage-gated channel alpha subunit 3; minus strand). Cytogenetic location: 2q24.3.
Variant type: single nucleotide variant.
Coding change: c.5220C>T on transcript NM_006922.4 (MANE Select); coding-DNA position 5220, C replaced by T.
Protein change: p.Asp1740=; no amino-acid change (aspartic acid 1740 retained).
Molecular consequence: synonymous variant.
Genome position (GRCh38, 1-based): chr2:165,090,933, G>A on the plus strand (C>T on the coding strand, the complement: SCN3A is on the minus strand). VCF-style: chr2-165090933-G-A. GRCh37 (hg19) VCF-style: chr2-165947443-G-A.
Other names: c.5073C>T, p.Asp1691= (NM_001081676.2, NM_001081677.2).
Identifiers: ClinVar variation 695355 (VCV000695355.31), dbSNP rs141247068, ClinGen allele CA1938423.

ClinVar aggregate classification (germline): Benign/Likely benign. Review status: criteria provided, multiple submitters, no conflicts (2 of 4 stars). 3 submissions from 3 submitters: Benign (2); Likely benign (1). Last evaluated 2026-01-28.

Allele frequency attached by ClinVar (database versions not stated): ESP Exome Variant Server 0.00069; gnomAD 0.00104 and 0.00115; TOPMed 0.00125; 1000 Genomes Project 30x 0.00141; 1000 Genomes Project 0.00160; gnomAD exomes 0.00013 and 0.00027; ExAC 0.00032.
gnomAD v4.1: 382 of 1,614,126 alleles (0.024%); highest among the groups gnomAD compares: African/African-American, 0.4%; 2 homozygotes.

Submissions (3):

Labcorp Genetics (formerly Invitae), Labcorp
Classification: Benign. Last evaluated: 2026-01-28. Review status: criteria provided, single submitter. Criteria: Invitae Variant Classification Sherloc (09022015). Collection method: clinical testing. Allele origin: germline.

CeGaT Center for Human Genetics Tuebingen
Classification: Likely benign. Last evaluated: 2025-12-01. Review status: criteria provided, single submitter. Criteria: CeGaT Center For Human Genetics Tuebingen Variant Classification Criteria Version 2. Collection method: clinical testing. Allele origin: germline. Affected: yes. Observed: 2 variant alleles.
Comment: SCN3A: BP4, BP7, BS1

Breakthrough Genomics
Classification: Benign. Review status: criteria provided, single submitter. Criteria: ACMG Guidelines, 2015. Collection method: not provided. Allele origin: germline. Inheritance: Autosomal dominant inheritance. Affected: yes.